The following is an entry in ClinVar:

ClinVar aggregate classification (germline): Uncertain significance (1 of 4 stars; one submission).

Conditions:
Hereditary cancer-predisposing syndrome. Also called: Tumor predisposition; Hereditary Cancer Syndrome; Hereditary neoplastic syndrome; Neoplastic Syndromes, Hereditary. Identifiers: Orphanet 140162, MedGen C0027672, MeSH D009386, MONDO:0015356.

gnomAD v4.1: 2 of 1,614,094 alleles (0.00012%); highest among the groups gnomAD compares: Non-Finnish European, 0.00017%; no homozygotes.

Submission:

Ambry Genetics
Classification: Uncertain significance for Hereditary cancer-predisposing syndrome. Last evaluated: 2024-04-01. Review status: criteria provided, single submitter. Criteria: Ambry Variant Classification Scheme 2023. Collection method: clinical testing. Allele origin: germline.
Comment: The p.T524I variant (also known as c.1571C>T), located in coding exon 14 of the MRE11A gene, results from a C to T substitution at nucleotide position 1571. The threonine at codon 524 is replaced by isoleucine, an amino acid with similar properties. This amino acid position is conserved. In addition, this alteration is predicted to be tolerated by in silico analysis. Based on the available evidence, the clinical significance of this alteration remains unclear.

NM_005591.4(MRE11):c.1571C>T (p.Thr524Ile)

Gene: MRE11 (MRE11 double strand break repair nuclease; minus strand). Cytogenetic location: 11q21.
Variant type: single nucleotide variant.
Coding change: c.1571C>T on transcript NM_005591.4 (MANE Select); coding-DNA position 1571, C replaced by T.
Protein change: p.Thr524Ile; replaces threonine 524 with isoleucine.
Molecular consequence: missense variant.
Genome position (GRCh38, 1-based): chr11:94,447,431, G>A on the plus strand (C>T on the coding strand, the complement: MRE11 is on the minus strand). VCF-style: chr11-94447431-G-A. GRCh37 (hg19) VCF-style: chr11-94180597-G-A.
Other names: c.1571C>T, p.Thr524Ile (NM_001330347.2, NM_005590.4); short protein forms T524I.
Identifiers: ClinVar variation 3295803 (VCV003295803.1).